The following is an entry in ClinVar:

NM_016222.4(DDX41):c.298+8G>A

Gene: DDX41 (DEAD-box helicase 41; minus strand). Cytogenetic location: 5q35.3.
Variant type: single nucleotide variant.
Coding change: c.298+8G>A on transcript NM_016222.4 (MANE Select); 8 bases into the intron after coding-DNA position 298, G replaced by A.
Molecular consequence: intron variant.
Genome position (GRCh38, 1-based): chr5:177,516,280, C>T on the plus strand (G>A on the coding strand, the complement: DDX41 is on the minus strand). VCF-style: chr5-177516280-C-T. GRCh37 (hg19) VCF-style: chr5-176943281-C-T.
Other names: c.-81+8G>A (NM_001321830.2, NM_001321732.2); c.298+8G>A (NM_016222.3).
Identifiers: ClinVar variation 2746035 (VCV002746035.6), dbSNP rs769834737, ClinGen allele CA3585291.

ClinVar aggregate classification (germline): Likely benign. Review status: criteria provided, multiple submitters, no conflicts (2 of 4 stars). 3 submissions from 3 submitters: Likely benign (2). 1 of the submissions does not count toward it. Last evaluated 2026-01-21.

Conditions:
DDX41-related disorder. Also called: DDX41-related condition.

Allele frequency attached by ClinVar (database versions not stated): ExAC 0.00003; TOPMed 0.00005; gnomAD 0.00006.
gnomAD v4.1: 24 of 1,614,038 alleles (0.0015%); highest among the groups gnomAD compares: African/African-American, 0.017%; no homozygotes.

Submissions (3):

Labcorp Genetics (formerly Invitae), Labcorp
Classification: Likely benign. Last evaluated: 2026-01-21. Review status: criteria provided, single submitter. Criteria: Invitae Variant Classification Sherloc (09022015). Collection method: clinical testing. Allele origin: germline.

Blueprint Genetics
Classification: Likely benign. Last evaluated: 2023-05-05. Review status: criteria provided, single submitter. Criteria: ACMG Guidelines, 2015. Collection method: clinical testing. Allele origin: germline.

PreventionGenetics, part of Exact Sciences
Classification: Likely benign for DDX41-related condition. Last evaluated: 2022-08-05. Review status: no assertion criteria provided. Collection method: clinical testing. Allele origin: germline. Not counted in ClinVar's aggregate classification.
Comment: This variant is classified as likely benign based on ACMG/AMP sequence variant interpretation guidelines (Richards et al. 2015 PMID: 25741868, with internal and published modifications).